The following is an entry in ClinVar:

NM_004699.4(FAM50A):c.900+8G>A

Gene: FAM50A (family with sequence similarity 50 member A; plus strand). Cytogenetic location: Xq28.
Variant type: single nucleotide variant.
Coding change: c.900+8G>A on transcript NM_004699.4 (MANE Select); 8 bases into the intron after coding-DNA position 900, G replaced by A.
Molecular consequence: intron variant.
Genome position (GRCh38, 1-based): chrX:154,450,107, G>A. VCF-style: chrX-154450107-G-A. GRCh37 (hg19) VCF-style: chrX-153678455-G-A.
Identifiers: ClinVar variation 4981242 (VCV004981242.1).

ClinVar aggregate classification (germline): Likely benign (1 of 4 stars; one submission).

Conditions:
FAM50A-related disorder. Also called: FAM50A-related condition.

gnomAD v4.1: 78 of 1,205,777 alleles (0.0065%); highest among the groups gnomAD compares: African/African-American, 0.018%; no homozygotes.

Submission:

PreventionGenetics, part of Exact Sciences
Classification: Likely benign for FAM50A-related condition. Last evaluated: 2025-07-01. Review status: criteria provided, single submitter. Criteria: ACMG Guidelines, 2015. Collection method: clinical testing. Allele origin: germline.
Comment: This variant is classified as likely benign based on ACMG/AMP sequence variant interpretation guidelines (Richards et al. 2015 PMID: 25741868, with internal and published modifications).